The following is an entry in ClinVar:

NM_000094.4(COL7A1):c.8324G>A (p.Gly2775Asp)

Gene: COL7A1 (collagen type VII alpha 1 chain; minus strand). Cytogenetic location: 3p21.31.
Variant type: single nucleotide variant.
Coding change: c.8324G>A on transcript NM_000094.4 (MANE Select); coding-DNA position 8324, G replaced by A.
Protein change: p.Gly2775Asp; replaces glycine 2775 with aspartic acid.
Molecular consequence: missense variant.
Genome position (GRCh38, 1-based): chr3:48,566,544, C>T on the plus strand (G>A on the coding strand, the complement: COL7A1 is on the minus strand). VCF-style: chr3-48566544-C-T. GRCh37 (hg19) VCF-style: chr3-48603977-C-T.
Other names: short protein forms G2775D.
Identifiers: ClinVar variation 2798318 (VCV002798318.5), dbSNP rs773146110, ClinGen allele CA352636933.
Genomic context (GRCh38, chr3:48,566,544, plus strand): 5'-CCAGGCCCATCCAGGCCCACACTCACCGTCAGTGCAGCTTCTCCCTTCTCGCCTCGAGGA[C>T]CGGCAGGCCCTGGCCGCCCCTATGTGCAACAGATGGGACCAGGCTGTGACCTCTGACCTC-3'
Protein context (NP_000085.1, residues 2765-2785): RGEQGRPGPA[Gly2775Asp]PRGEKGEAAL

ClinVar aggregate classification (germline): Likely pathogenic. Review status: criteria provided, multiple submitters, no conflicts (2 of 4 stars). 2 submissions from 2 submitters: Likely pathogenic (2). Last evaluated 2025-04-24.

Conditions:
Epidermolysis bullosa dystrophica. Also called: Dystrophic epidermolysis bullosa, Hallopeau-Siemens type (formerly); Dystrophic epidermolysis bullosa. Identifiers: Orphanet 303, MedGen C0079294, MONDO:0006543.

Submissions (2):

Women's Health and Genetics/Laboratory Corporation of America, LabCorp
Classification: Likely pathogenic for Epidermolysis bullosa dystrophica. Last evaluated: 2025-04-24. Review status: criteria provided, single submitter. Criteria: LabCorp Variant Classification Summary - May 2015. Collection method: clinical testing. Allele origin: germline.
Comment: Variant summary: COL7A1 c.8324G>A (p.Gly2775Asp) results in a non-conservative amino acid change located in the Collagen triple helix repeat region (IPR008160) of the encoded protein sequence. Five of five in-silico tools predict a damaging effect of the variant on protein function. The variant was absent in 1607054 control chromosomes in the gnomAD database (v4.1 dataset). To our knowledge, no occurrence of c.8324G>A in individuals affected with Dystrophic Epidermolysis Bullosa and no experimental evidence demonstrating its impact on protein function have been reported. A different variant affecting the same codon has been classified as pathogenic by our lab (c.8323G>A, p.Gly2775Asp), supporting the critical relevance of codon 2775 to COL7A1 protein function. ClinVar contains an entry for this variant (Variation ID: 2798318). Based on the evidence outlined above, the variant was classified as likely pathogenic.

Labcorp Genetics (formerly Invitae), Labcorp
Classification: Likely pathogenic. Last evaluated: 2023-02-10. Review status: criteria provided, single submitter. Criteria: Invitae Variant Classification Sherloc (09022015). Collection method: clinical testing. Allele origin: germline.
Comment: This sequence change replaces glycine, which is neutral and non-polar, with aspartic acid, which is acidic and polar, at codon 2775 of the COL7A1 protein (p.Gly2775Asp). This variant is not present in population databases (gnomAD no frequency). This variant has not been reported in the literature in individuals affected with COL7A1-related conditions. Advanced modeling of protein sequence and biophysical properties (such as structural, functional, and spatial information, amino acid conservation, physicochemical variation, residue mobility, and thermodynamic stability) performed at Invitae indicates that this missense variant is expected to disrupt COL7A1 protein function. This variant disrupts the triple helix domain of COL7A1. Glycine residues within the Gly-Xaa-Yaa repeats of the triple helix domain are required for the structure and stability of fibrillar collagens (PMID: 7695699, 8218237, 19344236), and variants at these glycine residues in COL7A1 are more frequently observed in individuals with disease than in the general population (PMID: 22058051). However, the clinical significance of this observation remains uncertain since only a limited number of affected individuals have been described to date. This variant disrupts the p.Gly2775 amino acid residue in COL7A1. Other variant(s) that disrupt this residue have been determined to be pathogenic (PMID: 9740253, 10504458, 11781296, 20555349). This suggests that this residue is clinically significant, and that variants that disrupt this residue are likely to be disease-causing. In summary, the currently available evidence indicates that the variant is pathogenic, but additional data are needed to prove that conclusively. Therefore, this variant has been classified as Likely Pathogenic.

Literature cited by the submitters: PubMed 7695699 (cited by Labcorp Genetics (formerly Invitae), Labcorp); PubMed 8218237 (cited by Labcorp Genetics (formerly Invitae), Labcorp); PubMed 19344236 (cited by Labcorp Genetics (formerly Invitae), Labcorp); PubMed 22058051 (cited by Labcorp Genetics (formerly Invitae), Labcorp); PubMed 9740253 (cited by Labcorp Genetics (formerly Invitae), Labcorp); PubMed 10504458 (cited by Labcorp Genetics (formerly Invitae), Labcorp); PubMed 11781296 (cited by Labcorp Genetics (formerly Invitae), Labcorp); PubMed 20555349 (cited by Labcorp Genetics (formerly Invitae), Labcorp).